The following is an entry in ClinVar:

NM_001875.5(CPS1):c.3480+5T>C

Gene: CPS1 (carbamoyl-phosphate synthase 1; plus strand). Cytogenetic location: 2q34.
Variant type: single nucleotide variant.
Coding change: c.3480+5T>C on transcript NM_001875.5 (MANE Select); 5 bases into the intron after coding-DNA position 3480, T replaced by C.
Molecular consequence: intron variant.
Genome position (GRCh38, 1-based): chr2:210,650,443, T>C. VCF-style: chr2-210650443-T-C. GRCh37 (hg19) VCF-style: chr2-211515167-T-C.
Other names: c.3480+5T>C (NM_001369257.1, NM_001122633.3); c.3513+5T>C (NM_001369256.1).
Identifiers: ClinVar variation 851093 (VCV000851093.1), dbSNP rs1700524730, ClinGen allele CA916081385.
Genomic context (GRCh38, chr2:210,650,443, plus strand): 5'-TATTCTCTGAGGATGAGATGAAAAAATTCCTAGAAGAGGCGACTAGAGTTTCTCAGGTAG[T>C]GTCCAATTTCTTTGTAGTGACTGTTATCTCTTAATAAACATGTAGTGACATTTATCTCTT-3'

ClinVar aggregate classification (germline): Uncertain significance (1 of 4 stars; one submission).

Conditions:
Congenital hyperammonemia, type I. Also called: Carbamoyl phosphate synthetase I deficiency disease; CPS I DEFICIENCY; Carbamoyl-phosphate synthase I deficiency; Carbamoyl phosphate synthetase 1 deficiency; Hyperammonemia due to carbamoyl phosphate synthetase 1 deficiency; CPS 1 deficiency. Identifiers: Orphanet 147, MedGen C4082171, MONDO:0009376, OMIM 237300.

Submission:

Labcorp Genetics (formerly Invitae), Labcorp
Classification: Uncertain significance for Congenital hyperammonemia, type I. Last evaluated: 2019-12-16. Review status: criteria provided, single submitter. Criteria: Invitae Variant Classification Sherloc (09022015). Collection method: clinical testing. Allele origin: germline.
Comment: This sequence change falls in intron 28 of the CPS1 gene. It does not directly change the encoded amino acid sequence of the CPS1 protein, but it affects a nucleotide within the consensus splice site of the intron. This variant is not present in population databases (ExAC no frequency). This variant has not been reported in the literature in individuals with CPS1-related conditions. Nucleotide substitutions within the consensus splice site are a relatively common cause of aberrant splicing (PMID: 17576681, 9536098). Algorithms developed to predict the effect of sequence changes on RNA splicing suggest that this variant is not likely to affect RNA splicing, but this prediction has not been confirmed by published transcriptional studies. In summary, the available evidence is currently insufficient to determine the role of this variant in disease. Therefore, it has been classified as a Variant of Uncertain Significance.